The following is an entry in ClinVar:

NM_000138.5(FBN1):c.2959del (p.Ala987fs)

Gene: FBN1 (fibrillin 1; minus strand). Cytogenetic location: 15q21.1.
Variant type: Deletion.
Coding change: c.2959del on transcript NM_000138.5 (MANE Select); coding-DNA position 2959, one base deleted (G; older notation c.2959delG).
Protein change: p.Ala987fs; shifts the reading frame from alanine 987.
Molecular consequence: frameshift variant.
Genome position (GRCh38, 1-based): chr15:48,489,974, C deleted on the plus strand (G on the coding strand, the reverse complement: FBN1 is on the minus strand). VCF-style (leftmost placement, unchanged base first): chr15-48489973-GC-G. GRCh37 (hg19) VCF-style: chr15-48782170-GC-G.
Other names: c.2959del, p.Ala987fs (NM_001406716.1); short protein forms A987fs.
Identifiers: ClinVar variation 3068739 (VCV003068739.2).
Genomic context (GRCh38, chr15:48,489,973, plus strand): 5'-AGCTCCTCGTACTCAGGAGTATTTCTCATGGGACACTCCTCGCATTCCTCAGTACCCCAG[GC>G]TGCCCCGACGGAGCAGCAGCAGGCGTCCATGCGGTGGCGGCCAGCAATAGGCAGGGTGCA-3'

ClinVar aggregate classification (germline): Pathogenic (0 of 4 stars; one submission).

Conditions:
Marfan syndrome (MFS). Also called: MARFAN SYNDROME, TYPE I; Marfan syndrome type 1; Marfan's syndrome; Marfan syndrome, classic; FBN1-Related Marfan Syndrome. Identifiers: Orphanet 284963, Orphanet 558, MedGen C0024796, MONDO:0007947, OMIM 154700.

Submission:

Healthincode, Healthincode group
Classification: Pathogenic for Marfan syndrome. Last evaluated: 2023-09-06. Review status: no assertion criteria provided. Collection method: clinical testing. Allele origin: de novo. Inheritance: Sporadic. Affected: yes. Observed: 1 heterozygote.
Comment: The variant c.2959delG; p.Ala987Profs*12 in FBN1gene was considered pathogenic according to the following ACMG criteria: PM2_moderate (absent from controls), PVS1_very strong (null variant in a gene where LoF is a known mechanism of disease) and PS2_Supporting (de novo).